The following is an entry in ClinVar:

ClinVar aggregate classification (germline): Likely benign. Review status: criteria provided, multiple submitters, no conflicts (2 of 4 stars). 3 submissions from 3 submitters: Likely benign (3). Last evaluated 2025-10-08.

Conditions:
Hereditary cancer-predisposing syndrome. Also called: Neoplastic Syndromes, Hereditary; Tumor predisposition; Hereditary Cancer Syndrome; Hereditary neoplastic syndrome. Identifiers: Orphanet 140162, MedGen C0027672, MeSH D009386, MONDO:0015356.
Breast-ovarian cancer, familial, susceptibility to, 3. Also called: RAD51C-Related Breast/Ovarian Cancer. Identifiers: Orphanet 145, MedGen C3150659, MONDO:0013253, OMIM 613399.
Fanconi anemia complementation group O. Also called: RAD51C-Related Fanconi Anemia. Identifiers: Orphanet 84, MedGen C3150653, MONDO:0013248, OMIM 613390.

Submissions (3):

Ambry Genetics
Classification: Likely benign for Hereditary cancer-predisposing syndrome. Last evaluated: 2025-10-08. Review status: criteria provided, single submitter. Criteria: Ambry Variant Classification Scheme 2023. Collection method: clinical testing. Allele origin: germline.

Myriad Genetics, Inc.
Classification: Likely benign for Breast-ovarian cancer, familial, susceptibility to, 3. Last evaluated: 2025-02-19. Review status: criteria provided, single submitter. Criteria: Myriad Autosomal Dominant, Autosomal Recessive and X-Linked Classification Criteria (2023). Collection method: clinical testing. Allele origin: unknown.
Comment: This variant is considered likely benign. This variant is intronic and is not expected to impact mRNA splicing.

Labcorp Genetics (formerly Invitae), Labcorp
Classification: Likely benign for Fanconi anemia complementation group O. Last evaluated: 2024-09-04. Review status: criteria provided, single submitter. Criteria: Invitae Variant Classification Sherloc (09022015). Collection method: clinical testing. Allele origin: germline.

NM_058216.3(RAD51C):c.966-4G>A

Gene: RAD51C (RAD51 paralog C; plus strand). Cytogenetic location: 17q22.
Variant type: single nucleotide variant.
Coding change: c.966-4G>A on transcript NM_058216.3 (MANE Select); 4 bases into the intron before coding-DNA position 966, G replaced by A.
Molecular consequence: intron variant.
Genome position (GRCh38, 1-based): chr17:58,732,480, G>A. VCF-style: chr17-58732480-G-A. GRCh37 (hg19) VCF-style: chr17-56809841-G-A.
Other names: c.966-4G>A (NM_058216.1).
Identifiers: ClinVar variation 1122081 (VCV001122081.11), dbSNP rs878855183, ClinGen allele CA2499224767.
Genomic context (GRCh38, chr17:58,732,480, plus strand): 5'-CATCTGAACTTTTAATTAATTAAGTTCATGTGTTTGTATGTATTTATTCTTTTTCTTTAA[G>A]CAGGTTGGCAACATTGTACAAGTCACCCAGCCAGAAGGAATGCACAGTACTGTTTCAAAT-3'